The following is an entry in ClinVar:

NM_001378030.1(CCDC78):c.328G>T (p.Gly110Cys)

Gene: CCDC78 (coiled-coil domain containing 78; minus strand). Cytogenetic location: 16p13.3.
Variant type: single nucleotide variant.
Coding change: c.328G>T on transcript NM_001378030.1 (MANE Select); coding-DNA position 328, G replaced by T.
Protein change: p.Gly110Cys; replaces glycine 110 with cysteine.
Molecular consequence: missense variant. On other transcripts: non-coding transcript variant (5), intron variant (1).
Genome position (GRCh38, 1-based): chr16:725,520, C>A on the plus strand (G>T on the coding strand, the complement: CCDC78 is on the minus strand). VCF-style: chr16-725520-C-A. GRCh37 (hg19) VCF-style: chr16-775520-C-A.
Other names: c.328G>T, p.Gly110Cys (NM_001031737.3, NM_001378031.1); c.-18-227G>T (NM_001378033.1); short protein forms G110C.
Identifiers: ClinVar variation 1522335 (VCV001522335.8), dbSNP rs777956994, ClinGen allele CA7789646.

ClinVar aggregate classification (germline): Uncertain significance (1 of 4 stars; one submission).

Conditions:
Congenital myopathy with internal nuclei and atypical cores. Also called: Myopathy, centronuclear, 4. Identifiers: Orphanet 319160, MedGen C4707232, MONDO:0013890, OMIM 614807.

Allele frequency attached by ClinVar (database versions not stated): gnomAD 0.00001; ExAC 0.00002; TOPMed 0.00004; gnomAD exomes 0.00006.
gnomAD v4.1: 18 of 1,612,360 alleles (0.0011%); highest among the groups gnomAD compares: Admixed American, 0.028%; no homozygotes.

Submission:

Labcorp Genetics (formerly Invitae), Labcorp
Classification: Uncertain significance for Congenital myopathy with internal nuclei and atypical cores. Last evaluated: 2025-11-08. Review status: criteria provided, single submitter. Criteria: Invitae Variant Classification Sherloc (09022015). Collection method: clinical testing. Allele origin: germline.
Comment: This sequence change replaces glycine, which is neutral and non-polar, with cysteine, which is neutral and slightly polar, at codon 110 of the CCDC78 protein (p.Gly110Cys). This variant is present in population databases (rs777956994, gnomAD 0.04%), and has an allele count higher than expected for a pathogenic variant. This variant has not been reported in the literature in individuals affected with CCDC78-related conditions. ClinVar contains an entry for this variant (Variation ID: 1522335). Invitae Evidence Modeling of protein sequence and biophysical properties (such as structural, functional, and spatial information, amino acid conservation, physicochemical variation, residue mobility, and thermodynamic stability) indicates that this missense variant is not expected to disrupt CCDC78 protein function with a negative predictive value of 80%. In summary, the available evidence is currently insufficient to determine the role of this variant in disease. Therefore, it has been classified as a Variant of Uncertain Significance.